The following is an entry in ClinVar:

NM_004281.4(BAG3):c.1578G>T (p.Glu526Asp)

Gene: BAG3 (BAG cochaperone 3; plus strand). Cytogenetic location: 10q26.11.
Variant type: single nucleotide variant.
Coding change: c.1578G>T on transcript NM_004281.4 (MANE Select); coding-DNA position 1578, G replaced by T.
Protein change: p.Glu526Asp; replaces glutamic acid 526 with aspartic acid.
Molecular consequence: missense variant.
Genome position (GRCh38, 1-based): chr10:119,677,132, G>T. VCF-style: chr10-119677132-G-T. GRCh37 (hg19) VCF-style: chr10-121436644-G-T.
Other names: short protein forms E526D.
Identifiers: ClinVar variation 471800 (VCV000471800.10), dbSNP rs777325497, ClinGen allele CA5716577.

ClinVar aggregate classification (germline): Conflicting classifications of pathogenicity. Review status: criteria provided, conflicting classifications (1 of 4 stars). 2 submissions from 2 submitters: Uncertain significance (1); Likely benign (1). Last evaluated 2026-04-28.

Conditions:
Cardiovascular phenotype. Identifiers: MedGen CN230736.
Myofibrillar myopathy 6. Identifiers: Orphanet 199340, MedGen C2751831, MONDO:0013061, OMIM 612954.
Dilated cardiomyopathy 1HH (CMD1HH). Identifiers: Orphanet 154, MedGen C3151293, MONDO:0013479, OMIM 613881.

Allele frequency attached by ClinVar (database versions not stated): TOPMed 0.00001; gnomAD 0.00002; ExAC 0.00002.
gnomAD v4.1: 17 of 1,614,058 alleles (0.0011%); highest among the groups gnomAD compares: Non-Finnish European, 0.0014%; no homozygotes.

Submissions (2):

Ambry Genetics
Classification: Likely benign for Cardiovascular phenotype. Last evaluated: 2026-04-28. Review status: criteria provided, single submitter. Criteria: Ambry Variant Classification Scheme 2023. Collection method: clinical testing. Allele origin: germline.

Labcorp Genetics (formerly Invitae), Labcorp
Classification: Uncertain significance for Dilated cardiomyopathy 1HH; Myofibrillar myopathy 6. Last evaluated: 2024-10-13. Review status: criteria provided, single submitter. Criteria: Invitae Variant Classification Sherloc (09022015). Collection method: clinical testing. Allele origin: germline.
Comment: This sequence change replaces glutamic acid, which is acidic and polar, with aspartic acid, which is acidic and polar, at codon 526 of the BAG3 protein (p.Glu526Asp). This variant is present in population databases (rs777325497, gnomAD 0.005%). This variant has not been reported in the literature in individuals affected with BAG3-related conditions. ClinVar contains an entry for this variant (Variation ID: 471800). Invitae Evidence Modeling of protein sequence and biophysical properties (such as structural, functional, and spatial information, amino acid conservation, physicochemical variation, residue mobility, and thermodynamic stability) indicates that this missense variant is not expected to disrupt BAG3 protein function with a negative predictive value of 80%. In summary, the available evidence is currently insufficient to determine the role of this variant in disease. Therefore, it has been classified as a Variant of Uncertain Significance.